The following is an entry in ClinVar:

ClinVar aggregate classification (germline): Pathogenic (1 of 4 stars; one submission).

Conditions:
Alstrom syndrome (ALMS). Identifiers: Orphanet 64, MedGen C0268425, MONDO:0008763, OMIM 203800.

Submission:

Labcorp Genetics (formerly Invitae), Labcorp
Classification: Pathogenic for Alstrom syndrome. Last evaluated: 2023-01-27. Review status: criteria provided, single submitter. Criteria: Invitae Variant Classification Sherloc (09022015). Collection method: clinical testing. Allele origin: germline.
Comment: This sequence change creates a premature translational stop signal (p.Tyr454*) in the ALMS1 gene. It is expected to result in an absent or disrupted protein product. Loss-of-function variants in ALMS1 are known to be pathogenic (PMID: 17594715). For these reasons, this variant has been classified as Pathogenic. ClinVar contains an entry for this variant (Variation ID: 1440108). This variant has not been reported in the literature in individuals affected with ALMS1-related conditions. This variant is not present in population databases (gnomAD no frequency).

Literature cited by the submitters: PubMed 17594715.

NM_001378454.1(ALMS1):c.1359T>A (p.Tyr453Ter)

Gene: ALMS1 (ALMS1 centrosome and basal body associated protein; plus strand). Cytogenetic location: 2p13.1.
Variant type: single nucleotide variant.
Coding change: c.1359T>A on transcript NM_001378454.1 (MANE Select); coding-DNA position 1359, T replaced by A.
Protein change: p.Tyr453Ter; replaces tyrosine 453 with a stop codon.
Molecular consequence: nonsense.
Genome position (GRCh38, 1-based): chr2:73,432,218, T>A. VCF-style: chr2-73432218-T-A. GRCh37 (hg19) VCF-style: chr2-73659346-T-A.
Other names: c.1362T>A, p.Tyr454Ter (NM_015120.4); short protein forms Y454*, Y453*.
Identifiers: ClinVar variation 1440108 (VCV001440108.6), dbSNP rs2103734375, ClinGen allele CA347262489.
Genomic context (GRCh38, chr2:73,432,218, plus strand): 5'-GTCTTTTTCATTTTTATTGCCTTCATTTGTTCCACATAAGCCAACAAGAGAGTCGGAATA[T>A]CACTCTTCAGATCTCAGAATGTTGAGGATGTCTCCTGACACTGTGCCAAAGGCTCCTAAA-3'